The following is an entry in ClinVar:

NM_000372.5(TYR):c.282C>A (p.Asn94Lys)

Gene: TYR (tyrosinase; plus strand). Cytogenetic location: 11q14.3.
Variant type: single nucleotide variant.
Coding change: c.282C>A on transcript NM_000372.5 (MANE Select); coding-DNA position 282, C replaced by A.
Protein change: p.Asn94Lys; replaces asparagine 94 with lysine.
Molecular consequence: missense variant.
Genome position (GRCh38, 1-based): chr11:89,178,235, C>A. VCF-style: chr11-89178235-C-A. GRCh37 (hg19) VCF-style: chr11-88911403-C-A.
Other names: short protein forms N94K.
Identifiers: ClinVar variation 1482569 (VCV001482569.4), dbSNP rs200951928, ClinGen allele CA6221078.

ClinVar aggregate classification (germline): Uncertain significance (1 of 4 stars; one submission).

Allele frequency attached by ClinVar (database versions not stated): gnomAD exomes below 0.00001; ExAC 0.00001; gnomAD 0.00001; TOPMed 0.00002; 1000 Genomes Project 30x 0.00016; 1000 Genomes Project 0.00020.
gnomAD v4.1: 9 of 1,614,190 alleles (0.00056%); highest among the groups gnomAD compares: Non-Finnish European, 0.00076%; no homozygotes.

Submission:

Labcorp Genetics (formerly Invitae), Labcorp
Classification: Uncertain significance. Last evaluated: 2022-11-01. Review status: criteria provided, single submitter. Criteria: Invitae Variant Classification Sherloc (09022015). Collection method: clinical testing. Allele origin: germline.
Comment: This sequence change replaces asparagine, which is neutral and polar, with lysine, which is basic and polar, at codon 94 of the TYR protein (p.Asn94Lys). This variant is present in population databases (rs200951928, gnomAD 0.0009%). In summary, the available evidence is currently insufficient to determine the role of this variant in disease. Therefore, it has been classified as a Variant of Uncertain Significance. Advanced modeling of protein sequence and biophysical properties (such as structural, functional, and spatial information, amino acid conservation, physicochemical variation, residue mobility, and thermodynamic stability) has been performed at Invitae for this missense variant, however the output from this modeling did not meet the statistical confidence thresholds required to predict the impact of this variant on TYR protein function. ClinVar contains an entry for this variant (Variation ID: 1482569). This variant has not been reported in the literature in individuals affected with TYR-related conditions.